The following is an entry in ClinVar:

ClinVar aggregate classification (germline): Uncertain significance. Review status: criteria provided, multiple submitters, no conflicts (2 of 4 stars). 3 submissions from 2 submitters: Uncertain significance (3). Last evaluated 2025-12-08.

Conditions:
Autosomal recessive osteopetrosis 7. Identifiers: Orphanet 178389, MedGen C2676766, MONDO:0012859, OMIM 612301.
Paget disease of bone 2, early-onset (PDB2). Also called: Paget disease of bone 2. Identifiers: MedGen C4085251, MONDO:0011183, OMIM 602080.

Allele frequency attached by ClinVar (database versions not stated): gnomAD exomes 0.00001 and 0.00002; ExAC 0.00002; TOPMed 0.00002; gnomAD 0.00003; 1000 Genomes Project 0.00020; 1000 Genomes Project 30x 0.00031.
gnomAD v4.1: 28 of 1,614,134 alleles (0.0017%); highest among the groups gnomAD compares: Middle Eastern, 0.016%; no homozygotes.

Submissions (3):

Labcorp Genetics (formerly Invitae), Labcorp
Classification: Uncertain significance. Last evaluated: 2025-12-08. Review status: criteria provided, single submitter. Criteria: Invitae Variant Classification Sherloc (09022015). Collection method: clinical testing. Allele origin: germline.
Comment: This sequence change falls in intron 8 of the TNFRSF11A gene. It does not directly change the encoded amino acid sequence of the TNFRSF11A protein. This variant is present in population databases (rs572449155, gnomAD 0.007%). This variant has not been reported in the literature in individuals affected with TNFRSF11A-related conditions. ClinVar contains an entry for this variant (Variation ID: 888935). Algorithms developed to predict the effect of sequence changes on RNA splicing suggest that this variant may create or strengthen a splice site. In summary, the available evidence is currently insufficient to determine the role of this variant in disease. Therefore, it has been classified as a Variant of Uncertain Significance.

Illumina Laboratory Services, Illumina
Classification: Uncertain significance for Autosomal recessive osteopetrosis 7. Last evaluated: 2018-01-13. Review status: criteria provided, single submitter. Criteria: ICSL Variant Classification Criteria 13 December 2019. Collection method: clinical testing. Allele origin: germline.

Illumina Laboratory Services, Illumina
Classification: Uncertain significance for Paget disease of bone 2, early-onset. Last evaluated: 2018-01-13. Review status: criteria provided, single submitter. Criteria: ICSL Variant Classification Criteria 13 December 2019. Collection method: clinical testing. Allele origin: germline.

NM_003839.4(TNFRSF11A):c.784-5G>A

Gene: TNFRSF11A (TNF receptor superfamily member 11a; plus strand). Cytogenetic location: 18q21.33.
Variant type: single nucleotide variant.
Coding change: c.784-5G>A on transcript NM_003839.4 (MANE Select); 5 bases into the intron before coding-DNA position 784, G replaced by A.
Molecular consequence: intron variant.
Genome position (GRCh38, 1-based): chr18:62,368,696, G>A. VCF-style: chr18-62368696-G-A. GRCh37 (hg19) VCF-style: chr18-60035929-G-A.
Other names: c.783+1936G>A (NM_001270949.2); c.730+6903G>A (NM_001270950.2); c.616+8647G>A (NM_001270951.2); c.742-5G>A (NM_001278268.2).
Identifiers: ClinVar variation 888935 (VCV000888935.11), dbSNP rs572449155, ClinGen allele CA8983868.